The following is an entry in ClinVar:

ClinVar aggregate classification (germline): Uncertain significance (1 of 4 stars; one submission).

Conditions:
Psoriasis 2. Identifiers: MedGen C1864497, MONDO:0011269, OMIM 602723.
Pityriasis rubra pilaris (PRP). Also called: Pityriasis rubra pilaris--familial type. Identifiers: Orphanet 2897, MedGen C0032027, MONDO:0100017, OMIM 173200, MONDO:0008251.

Allele frequency attached by ClinVar (database versions not stated): TOPMed 0.00001.
gnomAD v4.1: 17 of 1,598,452 alleles (0.0011%); highest among the groups gnomAD compares: Non-Finnish European, 0.0014%; no homozygotes.

Submission:

Labcorp Genetics (formerly Invitae), Labcorp
Classification: Uncertain significance for Pityriasis rubra pilaris; Psoriasis 2. Last evaluated: 2019-06-04. Review status: criteria provided, single submitter. Criteria: Invitae Variant Classification Sherloc (09022015). Collection method: clinical testing. Allele origin: germline.
Comment: In summary, the available evidence is currently insufficient to determine the role of this variant in disease. Therefore, it has been classified as a Variant of Uncertain Significance. Algorithms developed to predict the effect of missense changes on protein structure and function output the following: SIFT: "Tolerated"; PolyPhen-2: "Benign"; Align-GVGD: "Class C0". The cysteine amino acid residue is found in multiple mammalian species, suggesting that this missense change does not adversely affect protein function. These predictions have not been confirmed by published functional studies and their clinical significance is uncertain. This variant has not been reported in the literature in individuals with CARD14-related conditions. This variant is not present in population databases (ExAC no frequency). This sequence change replaces glycine with cysteine at codon 554 of the CARD14 protein (p.Gly554Cys). The glycine residue is weakly conserved and there is a large physicochemical difference between glycine and cysteine.

NM_001366385.1(CARD14):c.1660G>T (p.Gly554Cys)

Gene: CARD14 (caspase recruitment domain family member 14; plus strand). Cytogenetic location: 17q25.3.
Variant type: single nucleotide variant.
Coding change: c.1660G>T on transcript NM_001366385.1 (MANE Select); coding-DNA position 1660, G replaced by T.
Protein change: p.Gly554Cys; replaces glycine 554 with cysteine.
Molecular consequence: missense variant. On other transcripts: non-coding transcript variant (1).
Genome position (GRCh38, 1-based): chr17:80,198,400, G>T. VCF-style: chr17-80198400-G-T. GRCh37 (hg19) VCF-style: chr17-78172199-G-T.
Other names: c.1660G>T, p.Gly554Cys (NM_024110.4, NM_001257970.1); c.949G>T, p.Gly317Cys (NM_052819.3); short protein forms G317C, G554C.
Identifiers: ClinVar variation 947842 (VCV000947842.10), dbSNP rs567315820, ClinGen allele CA401350772.
Genomic context (GRCh38, chr17:80,198,400, plus strand): 5'-GGCCTTGCCGGCTCTCCTGCTCTGGGCAGTGCACAAGCCGGTCGTCTCCCGGCCTGCAGC[G>T]GCGTCCTCATGCGGCGGAGGCCAGCCCGCAGGATCCTGAGCCAGGTCACCATGCTGGCGT-3'
Protein context (NP_001353314.1, residues 544-564): SPGRLDVSES[Gly554Cys]VLMRRRPARR